The following is an entry in ClinVar:

NM_014946.4(SPAST):c.936dup (p.Asp313fs)

Gene: SPAST (spastin; plus strand). Cytogenetic location: 2p22.3.
Variant type: Duplication.
Coding change: c.936dup on transcript NM_014946.4 (MANE Select); coding-DNA position 936, one base duplicated (A; older notation c.936dupA).
Protein change: p.Asp313fs; shifts the reading frame from aspartic acid 313.
Molecular consequence: frameshift variant.
Genome position (GRCh38, 1-based): chr2:32,115,767, A duplicated; the last of 6 consecutive A bases (chr2:32,115,762-32,115,767); duplicating any one gives the same sequence. VCF-style (leftmost placement, unchanged base first): chr2-32115761-G-GA. GRCh37 (hg19) VCF-style: chr2-32340830-G-GA.
Other names: c.936dup (NM_014946.3); c.933dup, p.Asp312fs (NM_001363823.2); c.837dup, p.Asp280fs (NM_001363875.2); c.840dup, p.Asp281fs (NM_001377959.1, NM_199436.2); short protein forms D280fs, D281fs, D312fs, D313fs.
Identifiers: ClinVar variation 1072725 (VCV001072725.11), dbSNP rs2148734097, ClinGen allele CA2499215897.
Genomic context (GRCh38, chr2:32,115,761, plus strand): 5'-GGGTACTCCGAAAACAAATAGGACAAATAAACCTTCTACCCCTACAACTGCTACTCGTAA[G>GA]AAAAAAGACTTGAAGAATTTTAGGAATGTGGACAGCAACCTTGCTAACCTTATAATGAAT-3'

ClinVar aggregate classification (germline): Pathogenic. Review status: criteria provided, multiple submitters, no conflicts (2 of 4 stars). 3 submissions from 3 submitters: Pathogenic (3). Last evaluated 2025-04-15.

Conditions:
Hereditary spastic paraplegia 4. Also called: Spastic paraplegia 4, autosomal dominant; Spastic Paraplegia 4; Familial spastic paraplegia autosomal dominant 2. Identifiers: Orphanet 100985, MedGen C1866855, MONDO:0008438, OMIM 182601.

Submissions (3):

GeneDx
Classification: Pathogenic. Last evaluated: 2025-04-15. Review status: criteria provided, single submitter. Criteria: GeneDx Variant Classification Process June 2021. Collection method: clinical testing. Allele origin: germline. Affected: yes.
Comment: Reported in an individual with brisk reflexes and spasticity of the lower extremities (PMID: 11359470); Frameshift variant predicted to result in protein truncation or nonsense mediated decay in a gene for which loss of function is a known mechanism of disease; Not observed at significant frequency in large population cohorts (gnomAD); This variant is associated with the following publications: (PMID: 20932283, 11359470)

Human Genetics Bochum, Ruhr University Bochum
Classification: Pathogenic for Hereditary spastic paraplegia 4. Last evaluated: 2025-04-07. Review status: criteria provided, single submitter. Criteria: ACMG Guidelines, 2015. Collection method: clinical testing. Allele origin: germline. Affected: yes.
Comment: ACMG criteria used to clasify this variant: PVS1, PS4_SUP, PM2_SUP

Labcorp Genetics (formerly Invitae), Labcorp
Classification: Pathogenic for Hereditary spastic paraplegia 4. Last evaluated: 2020-06-13. Review status: criteria provided, single submitter. Criteria: Invitae Variant Classification Sherloc (09022015). Collection method: clinical testing. Allele origin: germline.
Comment: This variant is not present in population databases (ExAC no frequency). This sequence change creates a premature translational stop signal (p.Asp313Argfs*6) in the SPAST gene. It is expected to result in an absent or disrupted protein product. This variant has been observed in individual(s) with hereditary spastic paraplegia (PMID: 11359470). This variant is also known as "the 1-bp insertion (A) at nucleotide position 1062" in the literature. For these reasons, this variant has been classified as Pathogenic. Loss-of-function variants in SPAST are known to be pathogenic (PMID: 20932283).

Literature cited by the submitters: PubMed 11359470 (cited by Labcorp Genetics (formerly Invitae), Labcorp); PubMed 20932283 (cited by Labcorp Genetics (formerly Invitae), Labcorp).